The following is an entry in ClinVar:

ClinVar aggregate classification (germline): Uncertain significance. Review status: criteria provided, multiple submitters, no conflicts (2 of 4 stars). 2 submissions from 2 submitters: Uncertain significance (2). Last evaluated 2024-03-23.

Conditions:
Inborn genetic diseases. Identifiers: MedGen C0950123, MeSH D030342.
Hereditary hyperekplexia. Identifiers: Orphanet 3197, MedGen C4084968, MONDO:0021022.

Allele frequency attached by ClinVar (database versions not stated): TOPMed below 0.00001; gnomAD 0.00001; gnomAD exomes 0.00001; ExAC 0.00002.
gnomAD v4.1: 11 of 1,610,870 alleles (0.00068%); highest among the groups gnomAD compares: Admixed American, 0.0033%; no homozygotes.

Submissions (2):

Ambry Genetics
Classification: Uncertain significance for Inborn genetic diseases. Last evaluated: 2024-03-23. Review status: criteria provided, single submitter. Criteria: Ambry Variant Classification Scheme 2023. Collection method: clinical testing. Allele origin: germline.

Labcorp Genetics (formerly Invitae), Labcorp
Classification: Uncertain significance for Hereditary hyperekplexia. Last evaluated: 2023-09-10. Review status: criteria provided, single submitter. Criteria: Invitae Variant Classification Sherloc (09022015). Collection method: clinical testing. Allele origin: germline.
Comment: In summary, the available evidence is currently insufficient to determine the role of this variant in disease. Therefore, it has been classified as a Variant of Uncertain Significance. Advanced modeling of protein sequence and biophysical properties (such as structural, functional, and spatial information, amino acid conservation, physicochemical variation, residue mobility, and thermodynamic stability) performed at Invitae indicates that this missense variant is not expected to disrupt GLRA1 protein function. ClinVar contains an entry for this variant (Variation ID: 861162). This variant has not been reported in the literature in individuals affected with GLRA1-related conditions. This variant is present in population databases (rs780795063, gnomAD 0.003%). This sequence change replaces isoleucine, which is neutral and non-polar, with asparagine, which is neutral and polar, at codon 181 of the GLRA1 protein (p.Ile181Asn).

NM_000171.4(GLRA1):c.542T>A (p.Ile181Asn)

Gene: GLRA1 (glycine receptor alpha 1; minus strand). Cytogenetic location: 5q33.1.
Variant type: single nucleotide variant.
Coding change: c.542T>A on transcript NM_000171.4 (MANE Select); coding-DNA position 542, T replaced by A.
Protein change: p.Ile181Asn; replaces isoleucine 181 with asparagine.
Molecular consequence: missense variant.
Genome position (GRCh38, 1-based): chr5:151,856,318, A>T on the plus strand (T>A on the coding strand, the complement: GLRA1 is on the minus strand). VCF-style: chr5-151856318-A-T. GRCh37 (hg19) VCF-style: chr5-151235879-A-T.
Other names: c.542T>A, p.Ile181Asn (NM_001146040.2); c.293T>A, p.Ile98Asn (NM_001292000.2); short protein forms I181N, I98N.
Identifiers: ClinVar variation 861162 (VCV000861162.10), dbSNP rs780795063, ClinGen allele CA3523665.
Genomic context (GRCh38, chr5:151,856,318, plus strand): 5'-AAGGAGCCTGGTTCTTTCTAGAGGACTCATGCAAGACACTCACAGCTTTCCAGTTGCATG[A>T]TACATGTCTGGACATCCATGGGGAAATTCTTCAAGTCCATGGGGCAGGCCAGTGTCAGGG-3'
Protein context (NP_000162.2, residues 171-191): KNFPMDVQTC[Ile181Asn]MQLESFGYTM